The following is an entry in ClinVar:

NM_004082.5(DCTN1):c.122G>A (p.Arg41Gln)

Gene: DCTN1 (dynactin subunit 1; minus strand). Cytogenetic location: 2p13.1.
Variant type: single nucleotide variant.
Coding change: c.122G>A on transcript NM_004082.5 (MANE Select); coding-DNA position 122, G replaced by A.
Protein change: p.Arg41Gln; replaces arginine 41 with glutamine.
Molecular consequence: missense variant. On other transcripts: non-coding transcript variant (1).
Genome position (GRCh38, 1-based): chr2:74,378,157, C>T on the plus strand (G>A on the coding strand, the complement: DCTN1 is on the minus strand). VCF-style: chr2-74378157-C-T. GRCh37 (hg19) VCF-style: chr2-74605284-C-T.
Other names: c.122G>A, p.Arg41Gln (NM_001135040.3, NM_001190837.2); c.71G>A, p.Arg24Gln (NM_001190836.2, NM_001378991.1, NM_001378992.1); short protein forms R24Q, R41Q.
Identifiers: ClinVar variation 1476698 (VCV001476698.5), dbSNP rs752399708, ClinGen allele CA1722600.

ClinVar aggregate classification (germline): Uncertain significance (1 of 4 stars; one submission).

Conditions:
Amyotrophic lateral sclerosis type 1 (ALS1). Also called: AMYOTROPHIC LATERAL SCLEROSIS 1, FAMILIAL. Identifiers: Orphanet 803, MedGen C1862939, MONDO:0007103, OMIM 105400.
Perry syndrome. Also called: PARKINSONISM WITH ALVEOLAR HYPOVENTILATION AND MENTAL DEPRESSION. Identifiers: Orphanet 178509, MedGen C1868594, MONDO:0008201, OMIM 168605.
Neuronopathy, distal hereditary motor, type 7B. Also called: HMN VIIB; Distal Hereditary Motor Neuronopathy Type 7B (dHMN7B); LOWER MOTOR NEURON DISEASE, DYNACTIN TYPE; NEURONOPATHY, DISTAL HEREDITARY MOTOR, AUTOSOMAL DOMINANT 14; NEURONOPATHY, DISTAL HEREDITARY MOTOR, HARDING TYPE VIIB; NEUROPATHY, DISTAL HEREDITARY MOTOR, HARDING TYPE VIIB. Identifiers: Orphanet 139589, MedGen C1843315, MONDO:0011879, OMIM 607641.

Allele frequency attached by ClinVar (database versions not stated): ExAC 0.00002; gnomAD exomes 0.00002 and 0.00003; gnomAD 0.00003 and 0.00004; TOPMed 0.00004.
gnomAD v4.1: 45 of 1,614,088 alleles (0.0028%); highest among the groups gnomAD compares: Admixed American, 0.013%; no homozygotes.

Submission:

Labcorp Genetics (formerly Invitae), Labcorp
Classification: Uncertain significance for Amyotrophic lateral sclerosis type 1; Neuronopathy, distal hereditary motor, type 7B; Perry syndrome. Last evaluated: 2024-12-07. Review status: criteria provided, single submitter. Criteria: Invitae Variant Classification Sherloc (09022015). Collection method: clinical testing. Allele origin: germline.
Comment: This sequence change replaces arginine, which is basic and polar, with glutamine, which is neutral and polar, at codon 41 of the DCTN1 protein (p.Arg41Gln). This variant is present in population databases (rs752399708, gnomAD 0.006%). This missense change has been observed in individual(s) with periventricular nodular heterotopia (PMID: 29738522). ClinVar contains an entry for this variant (Variation ID: 1476698). Invitae Evidence Modeling of protein sequence and biophysical properties (such as structural, functional, and spatial information, amino acid conservation, physicochemical variation, residue mobility, and thermodynamic stability) indicates that this missense variant is not expected to disrupt DCTN1 protein function with a negative predictive value of 95%. In summary, the available evidence is currently insufficient to determine the role of this variant in disease. Therefore, it has been classified as a Variant of Uncertain Significance.

Literature cited by the submitters: PubMed 29738522.